The following is an entry in ClinVar:

ClinVar aggregate classification (germline): Uncertain significance (1 of 4 stars; one submission).

Conditions:
Developmental and epileptic encephalopathy, 31A. Also called: Developmental and epileptic encephalopathy, 31; Epileptic encephalopathy, early infantile, 31. Identifiers: Orphanet 2382, MedGen C4225357, MONDO:0014598, OMIM 616346.

Allele frequency attached by ClinVar (database versions not stated): gnomAD exomes below 0.00001; gnomAD 0.00001; TOPMed 0.00002.
gnomAD v4.1: 2 of 1,614,128 alleles (0.00012%); highest among the groups gnomAD compares: African/African-American, 0.0027%; no homozygotes.

Submission:

Labcorp Genetics (formerly Invitae), Labcorp
Classification: Uncertain significance for Developmental and epileptic encephalopathy, 31A. Last evaluated: 2019-12-03. Review status: criteria provided, single submitter. Criteria: Invitae Variant Classification Sherloc (09022015). Collection method: clinical testing. Allele origin: germline.
Comment: This sequence change replaces phenylalanine with leucine at codon 259 of the DNM1 protein (p.Phe259Leu). The phenylalanine residue is highly conserved and there is a small physicochemical difference between phenylalanine and leucine. This variant is not present in population databases (ExAC no frequency). This variant has not been reported in the literature in individuals with DNM1-related conditions. Algorithms developed to predict the effect of missense changes on protein structure and function are either unavailable or do not agree on the potential impact of this missense change (SIFT: "Deleterious"; PolyPhen-2: "Probably Damaging"; Align-GVGD: "Class C15"). In summary, the available evidence is currently insufficient to determine the role of this variant in disease. Therefore, it has been classified as a Variant of Uncertain Significance.

NM_004408.4(DNM1):c.775T>C (p.Phe259Leu)

Gene: DNM1 (dynamin 1; plus strand). Cytogenetic location: 9q34.11.
Variant type: single nucleotide variant.
Coding change: c.775T>C on transcript NM_004408.4 (MANE Select); coding-DNA position 775, T replaced by C.
Protein change: p.Phe259Leu; replaces phenylalanine 259 with leucine.
Molecular consequence: missense variant.
Genome position (GRCh38, 1-based): chr9:128,220,267, T>C. VCF-style: chr9-128220267-T-C. GRCh37 (hg19) VCF-style: chr9-130982546-T-C.
Other names: c.775T>C, p.Phe259Leu (NM_001005336.3, NM_001288737.2, NM_001288738.2 and 2 more transcripts); short protein forms F259L.
Identifiers: ClinVar variation 838926 (VCV000838926.10), dbSNP rs1431736054, ClinGen allele CA375013328.
Genomic context (GRCh38, chr9:128,220,267, plus strand): 5'-CAGAAGGACATTGATGGCAAGAAGGACATTACCGCCGCCTTGGCTGCTGAACGAAAGTTC[T>C]TCCTCTCCCATCCATCTTATCGCCACTTGGCTGACCGTATGGGCACGCCCTACCTGCAGA-3'
Protein context (NP_004399.2, residues 249-269): TAALAAERKF[Phe259Leu]LSHPSYRHLA